The following is an entry in ClinVar:

ClinVar aggregate classification (germline): Uncertain significance. Review status: criteria provided, multiple submitters, no conflicts (2 of 4 stars). 2 submissions from 2 submitters: Uncertain significance (2). Last evaluated 2025-07-28.

Conditions:
Hereditary cancer-predisposing syndrome. Also called: Neoplastic Syndromes, Hereditary; Tumor predisposition; Hereditary Cancer Syndrome; Hereditary neoplastic syndrome. Identifiers: Orphanet 140162, MedGen C0027672, MeSH D009386, MONDO:0015356.
Bloom syndrome (BLM). Also called: Bloom-Torre-Machacek syndrome. Identifiers: Orphanet 125, MedGen C0005859, MONDO:0008876, OMIM 210900.

Allele frequency attached by ClinVar (database versions not stated): gnomAD 0.00001; gnomAD exomes 0.00001.
gnomAD v4.1: 6 of 1,613,142 alleles (0.00037%); highest among the groups gnomAD compares: Non-Finnish European, 0.00051%; no homozygotes.

Submissions (2):

Ambry Genetics
Classification: Uncertain significance for Hereditary cancer-predisposing syndrome. Last evaluated: 2025-07-28. Review status: criteria provided, single submitter. Criteria: Ambry Variant Classification Scheme 2023. Collection method: clinical testing. Allele origin: germline.
Comment: The p.S1295G variant (also known as c.3883A>G), located in coding exon 20 of the BLM gene, results from an A to G substitution at nucleotide position 3883. The serine at codon 1295 is replaced by glycine, an amino acid with similar properties. This amino acid position is conserved. In addition, this alteration is predicted to be tolerated by in silico analysis. Since supporting evidence is limited at this time, the clinical significance of this alteration remains unclear.

Labcorp Genetics (formerly Invitae), Labcorp
Classification: Uncertain significance for Bloom syndrome. Last evaluated: 2021-12-15. Review status: criteria provided, single submitter. Criteria: Invitae Variant Classification Sherloc (09022015). Collection method: clinical testing. Allele origin: germline.
Comment: This variant is present in population databases (no rsID available, gnomAD 0.007%). This sequence change replaces serine, which is neutral and polar, with glycine, which is neutral and non-polar, at codon 1295 of the BLM protein (p.Ser1295Gly). This variant has not been reported in the literature in individuals affected with BLM-related conditions. In summary, the available evidence is currently insufficient to determine the role of this variant in disease. Therefore, it has been classified as a Variant of Uncertain Significance. Algorithms developed to predict the effect of missense changes on protein structure and function output the following: SIFT: "Tolerated"; PolyPhen-2: "Benign"; Align-GVGD: "Class C0". The glycine amino acid residue is found in multiple mammalian species, which suggests that this missense change does not adversely affect protein function.

NM_000057.4(BLM):c.3883A>G (p.Ser1295Gly)

Gene: BLM (BLM RecQ like helicase; plus strand). Cytogenetic location: 15q26.1.
Variant type: single nucleotide variant.
Coding change: c.3883A>G on transcript NM_000057.4 (MANE Select); coding-DNA position 3883, A replaced by G.
Protein change: p.Ser1295Gly; replaces serine 1295 with glycine.
Molecular consequence: missense variant.
Genome position (GRCh38, 1-based): chr15:90,811,213, A>G. VCF-style: chr15-90811213-A-G. GRCh37 (hg19) VCF-style: chr15-91354443-A-G.
Other names: c.3883A>G, p.Ser1295Gly (NM_001287246.2); c.3490A>G, p.Ser1164Gly (NM_001287247.2); c.2758A>G, p.Ser920Gly (NM_001287248.2); short protein forms S1295G, S1164G, S920G.
Identifiers: ClinVar variation 1735827 (VCV001735827.8), dbSNP rs1344988437, ClinGen allele CA393850380.
Genomic context (GRCh38, chr15:90,811,213, plus strand): 5'-CACGTGGACCAGTGCGACATCACCTGTAAACATCTGCATTTTCCATTTGTAGCTGAAGAC[A>G]GTTCCCCAGGGATAAGCCTGTCCAGCAGCAGAGGCCCCGGAAGAAGTGCCGCTGAGGAGC-3'
Protein context (NP_000048.1, residues 1285-1305): YSEWTSPAED[Ser1295Gly]SPGISLSSSR